The following is an entry in ClinVar:

ClinVar aggregate classification (germline): Uncertain significance (1 of 4 stars; one submission).

Submission:

Labcorp Genetics (formerly Invitae), Labcorp
Classification: Uncertain significance. Last evaluated: 2024-11-05. Review status: criteria provided, single submitter. Criteria: Invitae Variant Classification Sherloc (09022015). Collection method: clinical testing. Allele origin: germline.
Comment: This sequence change replaces histidine, which is basic and polar, with proline, which is neutral and non-polar, at codon 140 of the VDR protein (p.His140Pro). This variant is not present in population databases (gnomAD no frequency). This variant has not been reported in the literature in individuals affected with VDR-related conditions. ClinVar contains an entry for this variant (Variation ID: 2115626). Invitae Evidence Modeling of protein sequence and biophysical properties (such as structural, functional, and spatial information, amino acid conservation, physicochemical variation, residue mobility, and thermodynamic stability) indicates that this missense variant is not expected to disrupt VDR protein function with a negative predictive value of 80%. In summary, the available evidence is currently insufficient to determine the role of this variant in disease. Therefore, it has been classified as a Variant of Uncertain Significance.

NM_000376.3(VDR):c.419A>C (p.His140Pro)

Gene: VDR (vitamin D receptor; minus strand). Cytogenetic location: 12q13.11.
Variant type: single nucleotide variant.
Coding change: c.419A>C on transcript NM_000376.3 (MANE Select); coding-DNA position 419, A replaced by C.
Protein change: p.His140Pro; replaces histidine 140 with proline.
Molecular consequence: missense variant.
Genome position (GRCh38, 1-based): chr12:47,857,547, T>G on the plus strand (A>C on the coding strand, the complement: VDR is on the minus strand). VCF-style: chr12-47857547-T-G. GRCh37 (hg19) VCF-style: chr12-48251330-T-G.
Other names: c.419A>C, p.His140Pro (NM_001017535.2, NM_001364085.2, NM_001374661.1 and 1 more transcripts); c.569A>C, p.His190Pro (NM_001017536.2); short protein forms H140P, H190P.
Identifiers: ClinVar variation 2115626 (VCV002115626.4), dbSNP rs2539984717, ClinGen allele CA384519303.